The following is an entry in ClinVar:

NM_000051.4(ATM):c.6995T>C (p.Leu2332Pro)

Genes: ATM (ATM serine/threonine kinase; plus strand), C11orf65 (chromosome 11 open reading frame 65; minus strand). Cytogenetic location: 11q22.3.
Variant type: single nucleotide variant.
Coding change: c.6995T>C on transcript NM_000051.4 (MANE Select); coding-DNA position 6995, T replaced by C.
Protein change: p.Leu2332Pro; replaces leucine 2332 with proline.
Molecular consequence: missense variant. On other transcripts: intron variant (2).
Genome position (GRCh38, 1-based): chr11:108,327,664, T>C. VCF-style: chr11-108327664-T-C. GRCh37 (hg19) VCF-style: chr11-108198391-T-C.
Other names: p.L2332P:CTT>CCT; NM_000051.3(ATM):c.6995T>C; NP_000042.3:p.Leu2332Pro; c.6995T>C, p.Leu2332Pro (NM_001351834.2); c.641-18593A>G (NM_001330368.2); c.*38+7556A>G (NM_001351110.2); short protein forms L2332P.
Identifiers: ClinVar variation 133631 (VCV000133631.70), dbSNP rs4988111, ClinGen allele CA157165.

ClinVar aggregate classification (germline): Benign. Review status: reviewed by expert panel (3 of 4 stars). 30 submissions from 30 submitters: Benign (1). 29 of the submissions do not count toward it. Last evaluated 2022-03-09.

Conditions:
ATM-related cancer predisposition. Also called: ATM-related cancer susceptibility. Identifiers: MedGen CN377759, MONDO:0700270.
Hereditary cancer-predisposing syndrome. Also called: Neoplastic Syndromes, Hereditary; Hereditary Cancer Syndrome; Tumor predisposition; Hereditary neoplastic syndrome. Identifiers: Orphanet 140162, MedGen C0027672, MeSH D009386, MONDO:0015356.
Breast and/or ovarian cancer. Identifiers: MedGen CN221562.
Familial cancer of breast. Also called: BREAST CANCER, FAMILIAL; hereditary breast carcinoma; Hereditary breast cancer. Identifiers: Orphanet 227535, MedGen C0346153, MONDO:0016419, OMIM 114480. Disease mechanism: loss of function.
Ataxia-telangiectasia syndrome (AT). Also called: Ataxia-telangiectasia, complementation group D; AT, COMPLEMENTATION GROUP C; Ataxia-telangiectasia; ATAXIA-TELANGIECTASIA, COMPLEMENTATION GROUP A; ATAXIA-TELANGIECTASIA, FRESNO VARIANT; Ataxia-telangiectasia, complementation group E. Identifiers: Orphanet 100, MedGen C0004135, MONDO:0008840, OMIM 208900.
Hereditary breast ovarian cancer syndrome. Also called: BRCA1- and BRCA2-Associated Hereditary Breast and Ovarian Cancer; Hereditary breast and ovarian cancer syndrome; Hereditary breast and ovarian cancer syndrome (HBOC); Hereditary breast and/or ovarian cancer syndrome; Hereditary breast and ovarian cancer; Breast and ovarian cancer. Identifiers: Orphanet 145, MedGen C0677776, MeSH D061325, MONDO:0003582. Disease mechanism: loss of function.
Malignant tumor of breast. Also called: Malignant breast neoplasm; Cancer breast. Identifiers: MedGen C0006142, MONDO:0007254. Disease mechanism: loss of function.

Allele frequency attached by ClinVar (database versions not stated): 1000 Genomes Project 0.00719; ESP Exome Variant Server 0.00846; gnomAD exomes 0.00162; ExAC 0.00224; gnomAD 0.00608 and 0.00660; TOPMed 0.00694; 1000 Genomes Project 30x 0.00718.
gnomAD v4.1: 1,794 of 1,613,908 alleles (0.11%); highest among the groups gnomAD compares: African/African-American, 2.1%; 23 homozygotes.

Submissions 1 to 18 of 30:

ClinGen Hereditary Breast, Ovarian and Pancreatic Cancer Variant Curation Expert Panel, ClinGen
Classification: Benign for ATM-related cancer predisposition. Last evaluated: 2022-03-09. Review status: reviewed by expert panel. Criteria: clingen hbop acmg specifications atm v1-1. Collection method: curation. Allele origin: germline. Inheritance: Autosomal dominant inheritance.
Comment: The ATM c.6995T>C (p.Leu2332Pro) variant has a gnomAD v2.1.1 filtering allele frequency of 2.062% (African/African-American; exomes) which exceeds the ATM BA1 threshold of 0.50% (BA1). This variant has been observed in a homozygous and compound heterozygous state (presumed) in multiple individuals without biallelic disease (BP2_Strong; GTR Lab IDs: 61756, 500031). In silico protein predictors (ALIGN GVGD: Class C25; REVEL: 0.193; SIFT: tolerated; PolyPhen2: benign) predict that this alteration is not deleterious and in silico splicing predictors (SpliceAI: AL 0.01/DL 0.00/AG 0.00/DG 0.00; MaxEntScan: 0.00% (wild type = 9.04, variant = 9.04)) find that this variant is unlikely to affect splicing (BP4). In summary, this variant meets criteria to be classified as benign based on the ACMG/AMP criteria applied as specified by the HBOP Variant Curation Expert Panel.

CeGaT Center for Human Genetics Tuebingen
Classification: Benign. Last evaluated: 2026-06-01. Review status: criteria provided, single submitter. Criteria: CeGaT Center For Human Genetics Tuebingen Variant Classification Criteria Version 2. Collection method: clinical testing. Allele origin: germline. Affected: yes. Observed: 5 variant alleles. Not counted in ClinVar's aggregate classification.
Comment: ATM: BP4, BS1, BS2

Labcorp Genetics (formerly Invitae), Labcorp
Classification: Benign for Ataxia-telangiectasia syndrome. Last evaluated: 2026-02-04. Review status: criteria provided, single submitter. Criteria: Invitae Variant Classification Sherloc (09022015). Collection method: clinical testing. Allele origin: germline. Not counted in ClinVar's aggregate classification.

Dasa
Classification: Benign for ATM-related cancer predisposition. Last evaluated: 2025-11-25. Review status: criteria provided, single submitter. Criteria: DASA Assertion Criteria. Collection method: clinical testing. Allele origin: germline. Not counted in ClinVar's aggregate classification.
Comment: NM_000051.4(ATM):c.6995T>C (p.Leu2332Pro) is interpreted as benign based on a combination of available evidence, which may include population frequency, observations in unaffected individuals, intact protein function, lack of segregation with disease, in silico models, amino acid conservation, lack of disease association in case-control studies, and/or inconsistency with the known disease mechanism or impacted region. Based on the available data, this variant is classified as benign.

ARUP Laboratories, Molecular Genetics and Genomics, ARUP Laboratories
Classification: Benign. Last evaluated: 2025-07-07. Review status: criteria provided, single submitter. Criteria: ARUP Molecular Germline Variant Investigation Process 2024. Collection method: clinical testing. Allele origin: germline. Not counted in ClinVar's aggregate classification.

Mayo Clinic Laboratories, Mayo Clinic
Classification: Benign. Last evaluated: 2025-04-07. Review status: criteria provided, single submitter. Criteria: ACMG Guidelines, 2015. Collection method: clinical testing. Allele origin: germline. Observed: 7 variant alleles. Not counted in ClinVar's aggregate classification.
Comment: BA1, BP4

Center for Genomic Medicine, Rigshospitalet, Copenhagen University Hospital
Classification: Benign. Last evaluated: 2025-03-04. Review status: criteria provided, single submitter. Criteria: ACMG Guidelines, 2015. Collection method: clinical testing. Allele origin: germline. Not counted in ClinVar's aggregate classification.

Athena Diagnostics
Classification: Benign. Last evaluated: 2025-02-04. Review status: criteria provided, single submitter. Criteria: Athena Diagnostics Criteria. Collection method: clinical testing. Allele origin: unknown. Not counted in ClinVar's aggregate classification.
Comment: The frequency of this variant in the general population is higher than would generally be expected for pathogenic variants in this gene. Computational tools predict this amino acid change may be benign.

Myriad Genetics, Inc.
Classification: Benign for Familial cancer of breast. Last evaluated: 2024-06-12. Review status: criteria provided, single submitter. Criteria: Myriad Autosomal Dominant, Autosomal Recessive and X-Linked Classification Criteria (2023). Collection method: clinical testing. Allele origin: unknown. Not counted in ClinVar's aggregate classification.
Comment: This variant is considered benign. This variant has been observed at a population frequency that is significantly greater than expected given the associated disease prevalence and penetrance. This variant is strongly associated with less severe personal and family histories of cancer, typical for individuals without pathogenic variants in this gene [PMID: 25085752].

KCCC/NGS Laboratory, Kuwait Cancer Control Center
Classification: Benign for Familial cancer of breast. Last evaluated: 2023-07-07. Review status: criteria provided, single submitter. Criteria: ACMG Guidelines, 2015. Collection method: clinical testing. Allele origin: germline. Affected: yes. Not counted in ClinVar's aggregate classification.

Fulgent Genetics
Classification: Benign for Familial cancer of breast; Ataxia-telangiectasia syndrome. Last evaluated: 2022-04-29. Review status: criteria provided, single submitter. Criteria: ACMG Guidelines, 2015. Collection method: clinical testing. Allele origin: unknown. Not counted in ClinVar's aggregate classification.

National Health Laboratory Service, Universitas Academic Hospital and University of the Free State
Classification: Benign for Hereditary breast ovarian cancer syndrome. Last evaluated: 2022-04-19. Review status: criteria provided, single submitter. Criteria: ACMG Guidelines, 2015. Collection method: clinical testing. Allele origin: germline. Affected: yes. Observed: 6 variant alleles. Not counted in ClinVar's aggregate classification.

Sema4
Classification: Benign for Hereditary cancer-predisposing syndrome. Last evaluated: 2020-03-21. Review status: criteria provided, single submitter. Criteria: Sema4 Curation Guidelines. Collection method: curation. Allele origin: germline. Not counted in ClinVar's aggregate classification.

CHEO Genetics Diagnostic Laboratory, Children's Hospital of Eastern Ontario
Classification: Benign for Breast and/or ovarian cancer. Last evaluated: 2019-11-13. Review status: criteria provided, single submitter. Criteria: ACMG Guidelines, 2015. Collection method: clinical testing. Allele origin: germline. Not counted in ClinVar's aggregate classification.

Illumina Laboratory Services, Illumina
Classification: Benign for Ataxia-telangiectasia syndrome. Last evaluated: 2017-04-27. Review status: criteria provided, single submitter. Criteria: ICSL Variant Classification Criteria 13 December 2019. Collection method: clinical testing. Allele origin: germline. Not counted in ClinVar's aggregate classification.
Comment: This variant was observed as part of a predisposition screen in an ostensibly healthy population. A literature search was performed for the gene, cDNA change, and amino acid change (where applicable). No publications were found based on this search. Allele frequency data from public databases was too high to be consistent with this variant causing disease. Therefore, this variant is classified as benign.

Eurofins Ntd Llc (ga)
Classification: Benign. Last evaluated: 2016-12-01. Review status: criteria provided, single submitter. Criteria: EGL Classification Definitions 2015. Collection method: clinical testing. Allele origin: germline. Observed: 1 variant allele, 1 heterozygote. Not counted in ClinVar's aggregate classification.

PreventionGenetics, part of Exact Sciences
Classification: Benign. Last evaluated: 2016-10-21. Review status: criteria provided, single submitter. Criteria: ACMG Guidelines, 2015. Collection method: clinical testing. Allele origin: germline. Not counted in ClinVar's aggregate classification.

Center for Pediatric Genomic Medicine, Children's Mercy Hospital and Clinics
Classification: Likely benign. Last evaluated: 2016-02-11. Review status: criteria provided, single submitter. Criteria: ACMG Guidelines, 2015. Collection method: clinical testing. Allele origin: germline. Not counted in ClinVar's aggregate classification.
ClinVar note: Converted during submission from Likely Benign to Likely benign.